The following is an entry in ClinVar:

ClinVar aggregate classification (germline): Uncertain significance (1 of 4 stars; one submission).

Conditions:
Periodic fever-infantile enterocolitis-autoinflammatory syndrome. Also called: Autoinflammation with infantile enterocolitis. Identifiers: Orphanet 436166, MedGen C4015067, MONDO:0014472, OMIM 616050.
Familial cold autoinflammatory syndrome 4 (FCAS4). Identifiers: Orphanet 47045, Orphanet 576349, MedGen C4015276, MONDO:0014498, OMIM 616115.

gnomAD v4.1: 2 of 1,614,198 alleles (0.00012%); highest among the groups gnomAD compares: African/African-American, 0.0013%; no homozygotes.

Submission:

Labcorp Genetics (formerly Invitae), Labcorp
Classification: Uncertain significance for Periodic fever-infantile enterocolitis-autoinflammatory syndrome; Familial cold autoinflammatory syndrome 4. Last evaluated: 2024-07-31. Review status: criteria provided, single submitter. Criteria: Invitae Variant Classification Sherloc (09022015). Collection method: clinical testing. Allele origin: germline.
Comment: This sequence change replaces glycine, which is neutral and non-polar, with tryptophan, which is neutral and slightly polar, at codon 618 of the NLRC4 protein (p.Gly618Trp). This variant is not present in population databases (gnomAD no frequency). This variant has not been reported in the literature in individuals affected with NLRC4-related conditions. Advanced modeling of protein sequence and biophysical properties (such as structural, functional, and spatial information, amino acid conservation, physicochemical variation, residue mobility, and thermodynamic stability) performed at Invitae indicates that this missense variant is expected to disrupt NLRC4 protein function with a positive predictive value of 80%. In summary, the available evidence is currently insufficient to determine the role of this variant in disease. Therefore, it has been classified as a Variant of Uncertain Significance.

NM_001199138.2(NLRC4):c.1852G>T (p.Gly618Trp)

Gene: NLRC4 (NLR family CARD domain containing 4; minus strand). Cytogenetic location: 2p22.3.
Variant type: single nucleotide variant.
Coding change: c.1852G>T on transcript NM_001199138.2 (MANE Select); coding-DNA position 1852, G replaced by T.
Protein change: p.Gly618Trp; replaces glycine 618 with tryptophan.
Molecular consequence: missense variant. On other transcripts: intron variant (1).
Genome position (GRCh38, 1-based): chr2:32,250,012, C>A on the plus strand (G>T on the coding strand, the complement: NLRC4 is on the minus strand). VCF-style: chr2-32250012-C-A. GRCh37 (hg19) VCF-style: chr2-32475081-C-A.
Other names: c.1852G>T, p.Gly618Trp (NM_001199139.2, NM_021209.5); c.262+2407G>T (NM_001302504.1); short protein forms G618W.
Identifiers: ClinVar variation 3757411 (VCV003757411.2).